The following is an entry in ClinVar:

NM_194248.3(OTOF):c.1746C>G (p.Asn582Lys)

Gene: OTOF (otoferlin; minus strand). Cytogenetic location: 2p23.3.
Variant type: single nucleotide variant.
Coding change: c.1746C>G on transcript NM_194248.3 (MANE Select); coding-DNA position 1746, C replaced by G.
Protein change: p.Asn582Lys; replaces asparagine 582 with lysine.
Molecular consequence: missense variant.
Genome position (GRCh38, 1-based): chr2:26,480,843, G>C on the plus strand (C>G on the coding strand, the complement: OTOF is on the minus strand). VCF-style: chr2-26480843-G-C. GRCh37 (hg19) VCF-style: chr2-26703711-G-C.
Other names: c.1746C>G, p.Asn582Lys (NM_001287489.2); short protein forms N582K.
Identifiers: ClinVar variation 4800170 (VCV004800170.1).

ClinVar aggregate classification (germline): Uncertain significance (1 of 4 stars; one submission).

Submission:

Labcorp Genetics (formerly Invitae), Labcorp
Classification: Uncertain significance. Last evaluated: 2025-08-01. Review status: criteria provided, single submitter. Criteria: Invitae Variant Classification Sherloc (09022015). Collection method: clinical testing. Allele origin: germline.
Comment: This sequence change replaces asparagine, which is neutral and polar, with lysine, which is basic and polar, at codon 582 of the OTOF protein (p.Asn582Lys). This variant is not present in population databases (gnomAD no frequency). This variant has not been reported in the literature in individuals affected with OTOF-related conditions. Invitae Evidence Modeling of protein sequence and biophysical properties (such as structural, functional, and spatial information, amino acid conservation, physicochemical variation, residue mobility, and thermodynamic stability) indicates that this missense variant is not expected to disrupt OTOF protein function with a negative predictive value of 95%. In summary, the available evidence is currently insufficient to determine the role of this variant in disease. Therefore, it has been classified as a Variant of Uncertain Significance.